The following is an entry in ClinVar:

NM_001127222.2(CACNA1A):c.2413G>T (p.Ala805Ser)

Gene: CACNA1A (calcium voltage-gated channel subunit alpha1 A; minus strand). Cytogenetic location: 19p13.13.
Variant type: single nucleotide variant.
Coding change: c.2413G>T on transcript NM_001127222.2 (MANE Select); coding-DNA position 2413, G replaced by T.
Protein change: p.Ala805Ser; replaces alanine 805 with serine.
Molecular consequence: missense variant.
Genome position (GRCh38, 1-based): chr19:13,299,220, C>A on the plus strand (G>T on the coding strand, the complement: CACNA1A is on the minus strand). VCF-style: chr19-13299220-C-A. GRCh37 (hg19) VCF-style: chr19-13410034-C-A.
Other names: c.2425G>T, p.Ala809Ser (NM_000068.4, NM_023035.3); c.2416G>T, p.Ala806Ser (NM_001127221.2, NM_001174080.2); short protein forms A805S, A806S, A809S.
Identifiers: ClinVar variation 3369939 (VCV003369939.1).

ClinVar aggregate classification (germline): Uncertain significance (1 of 4 stars; one submission).

gnomAD v4.1: 8 of 1,611,284 alleles (0.0005%); highest among the groups gnomAD compares: East Asian, 0.016%; no homozygotes.

Submission:

GeneDx
Classification: Uncertain significance. Last evaluated: 2023-12-17. Review status: criteria provided, single submitter. Criteria: GeneDx Variant Classification Process June 2021. Collection method: clinical testing. Allele origin: germline. Affected: yes.
Comment: Not observed at significant frequency in large population cohorts (gnomAD); In silico analysis supports that this missense variant does not alter protein structure/function; Has not been previously published as pathogenic or benign to our knowledge